The following is an entry in ClinVar:

ClinVar aggregate classification (germline): not provided. Review status: no classification provided (0 of 4 stars). 2 submissions from 1 submitter: not provided (1). 1 of the submissions does not count toward it.

Conditions:
Tuberous sclerosis syndrome (TSC). Also called: Tuberous Sclerosis Complex; Tuberous sclerosis. Identifiers: Orphanet 805, MedGen C0041341, MONDO:0001734.

Submissions (2):

Tuberous sclerosis database (TSC2)
No classification provided. Condition: TSC. Review status: no classification provided. Criteria: Tuberous Sclerosis Database Assertion Criteria 2015. Collection method: curation. Allele origin: germline. Affected: yes.

Tuberous sclerosis database (TSC2)
No classification provided. Condition: TSC. Review status: flagged submission. Criteria: Tuberous Sclerosis Database Assertion Criteria 2015. Collection method: curation. Allele origin: germline. Affected: yes. Not counted in ClinVar's aggregate classification.
ClinVar note: Reason: This record appears to be redundant with a more recent record from the same submitter.
ClinVar note: Notes: SCV000083440 appears to be redundant with SCV000083816.

NM_000548.5(TSC2):c.2713del (p.Arg905fs)

Gene: TSC2 (TSC complex subunit 2; plus strand). Cytogenetic location: 16p13.3.
Variant type: Deletion.
Coding change: c.2713del on transcript NM_000548.5 (MANE Select); coding-DNA position 2713, one base deleted (C; older notation c.2713delC).
Protein change: p.Arg905fs; shifts the reading frame from arginine 905.
Molecular consequence: frameshift variant.
Genome position (GRCh38, 1-based): chr16:2,076,141, C deleted; the last of 2 consecutive C bases (chr16:2,076,140-2,076,141); deleting either gives the same sequence. VCF-style (leftmost placement, unchanged base first): chr16-2076139-TC-T. GRCh37 (hg19) VCF-style: chr16-2126140-TC-T.
Other names: c.2713del, p.Arg905fs (NM_001077183.3, NM_001114382.3, NM_001363528.2 and 3 more transcripts); c.2602del, p.Arg868fs (NM_001318827.2); c.2566del, p.Arg856fs (NM_001318829.2); c.2113del, p.Arg705fs (NM_001318831.2); c.2746del, p.Arg916fs (NM_001318832.2); short protein forms R856fs, R916fs, R868fs, R705fs, R905fs.
Identifiers: ClinVar variation 65016 (VCV000065016.2), dbSNP rs397515007, ClinGen allele CA017945.